The following is an entry in ClinVar:

NM_001350451.2(RBFOX3):c.1077+6G>A

Gene: RBFOX3 (RNA binding fox-1 homolog 3; minus strand). Cytogenetic location: 17q25.3.
Variant type: single nucleotide variant.
Coding change: c.1077+6G>A on transcript NM_001350451.2 (MANE Select); 6 bases into the intron after coding-DNA position 1077, G replaced by A.
Molecular consequence: intron variant.
Genome position (GRCh38, 1-based): chr17:79,094,445, C>T on the plus strand (G>A on the coding strand, the complement: RBFOX3 is on the minus strand). VCF-style: chr17-79094445-C-T. GRCh37 (hg19) VCF-style: chr17-77090527-C-T.
Other names: c.1077+6G>A (NM_001385807.1, NM_001385814.1, NM_001385818.1 and 14 more transcripts); c.936+6G>A (NM_001385838.1, NM_001385842.1, NM_001350453.2 and 16 more transcripts); c.933+6G>A (NM_001385846.1, NM_001385845.1, NM_001385843.1 and 1 more transcripts); c.1074+6G>A (NM_001385822.1, NM_001385823.1, NM_001385806.1); c.984+6G>A (NM_001385824.1); c.957+6G>A (NM_001385827.1); c.789+6G>A (NM_001385847.1).
Identifiers: ClinVar variation 662974 (VCV000662974.6), dbSNP rs757903881, ClinGen allele CA8810203.

ClinVar aggregate classification (germline): Uncertain significance (1 of 4 stars; one submission).

Conditions:
Idiopathic generalized epilepsy. Also called: EIG; Generalised epilepsy. Identifiers: MedGen C0270850, MONDO:0005579, OMIM 600669.

Allele frequency attached by ClinVar (database versions not stated): gnomAD 0.00001; gnomAD exomes 0.00005; ExAC 0.00007.
gnomAD v4.1: 17 of 1,496,926 alleles (0.0011%); highest among the groups gnomAD compares: Middle Eastern, 0.017%; no homozygotes.

Submission:

Labcorp Genetics (formerly Invitae), Labcorp
Classification: Uncertain significance for Idiopathic generalized epilepsy. Last evaluated: 2025-07-06. Review status: criteria provided, single submitter. Criteria: Invitae Variant Classification Sherloc (09022015). Collection method: clinical testing. Allele origin: germline.
Comment: This sequence change falls in intron 14 of the RBFOX3 gene. It does not directly change the encoded amino acid sequence of the RBFOX3 protein. It affects a nucleotide within the consensus splice site. This variant is present in population databases (rs757903881, gnomAD 0.02%). This variant has not been reported in the literature in individuals affected with RBFOX3-related conditions. ClinVar contains an entry for this variant (Variation ID: 662974). Variants that disrupt the consensus splice site are a relatively common cause of aberrant splicing (PMID: 17576681, 9536098). Algorithms developed to predict the effect of sequence changes on RNA splicing suggest that this variant is not likely to affect RNA splicing. In summary, the available evidence is currently insufficient to determine the role of this variant in disease. Therefore, it has been classified as a Variant of Uncertain Significance.

Literature cited by the submitters: PubMed 17576681; PubMed 9536098.